The following is an entry in ClinVar:

NM_005431.2(XRCC2):c.560A>G (p.Tyr187Cys)

Gene: XRCC2 (X-ray repair cross complementing 2; minus strand). Cytogenetic location: 7q36.1.
Variant type: single nucleotide variant.
Coding change: c.560A>G on transcript NM_005431.2 (MANE Select); coding-DNA position 560, A replaced by G.
Protein change: p.Tyr187Cys; replaces tyrosine 187 with cysteine.
Molecular consequence: missense variant.
Genome position (GRCh38, 1-based): chr7:152,648,925, T>C on the plus strand (A>G on the coding strand, the complement: XRCC2 is on the minus strand). VCF-style: chr7-152648925-T-C. GRCh37 (hg19) VCF-style: chr7-152346010-T-C.
Other names: short protein forms Y187C.
Identifiers: ClinVar variation 1000357 (VCV001000357.12), dbSNP rs2098027290, ClinGen allele CA370198425.
Genomic context (GRCh38, chr7:152,648,925, plus strand): 5'-TCTGATGAGCTCGAGGCTTTCTGCATTATAGTTTGTGTCGTTGCAAAAAGAACCAGGCGA[T>C]AGTCATTTACAAGCTTCTCTAAGCACTGAGAACATTTCCTCAGAGTAGACTCCTGTAAGT-3'
Protein context (NP_005422.1, residues 177-197): SQCLEKLVND[Tyr187Cys]RLVLFATTQT

ClinVar aggregate classification (germline): Uncertain significance. Review status: criteria provided, multiple submitters, no conflicts (2 of 4 stars). 2 submissions from 2 submitters: Uncertain significance (2). Last evaluated 2023-03-03.

Conditions:
Hereditary cancer-predisposing syndrome. Also called: Hereditary Cancer Syndrome; Hereditary neoplastic syndrome; Tumor predisposition; Neoplastic Syndromes, Hereditary. Identifiers: Orphanet 140162, MedGen C0027672, MeSH D009386, MONDO:0015356.

Allele frequency attached by ClinVar (database versions not stated): gnomAD exomes 0.00001.
gnomAD v4.1: 10 of 1,614,174 alleles (0.00062%); highest among the groups gnomAD compares: Non-Finnish European, 0.00085%; no homozygotes.

Submissions (2):

Ambry Genetics
Classification: Uncertain significance for Hereditary cancer-predisposing syndrome. Last evaluated: 2023-03-03. Review status: criteria provided, single submitter. Criteria: Ambry Variant Classification Scheme 2023. Collection method: clinical testing. Allele origin: germline.
Comment: The p.Y187C variant (also known as c.560A>G), located in coding exon 3 of the XRCC2 gene, results from an A to G substitution at nucleotide position 560. The tyrosine at codon 187 is replaced by cysteine, an amino acid with highly dissimilar properties. This amino acid position is well conserved in available vertebrate species. In addition, the in silico prediction for this alteration is inconclusive. Since supporting evidence is limited at this time, the clinical significance of this alteration remains unclear.

Labcorp Genetics (formerly Invitae), Labcorp
Classification: Uncertain significance. Last evaluated: 2022-10-31. Review status: criteria provided, single submitter. Criteria: Invitae Variant Classification Sherloc (09022015). Collection method: clinical testing. Allele origin: germline.
Comment: In summary, the available evidence is currently insufficient to determine the role of this variant in disease. Therefore, it has been classified as a Variant of Uncertain Significance. Algorithms developed to predict the effect of missense changes on protein structure and function (SIFT, PolyPhen-2, Align-GVGD) all suggest that this variant is likely to be disruptive. ClinVar contains an entry for this variant (Variation ID: 1000357). This variant has not been reported in the literature in individuals affected with XRCC2-related conditions. This variant is not present in population databases (gnomAD no frequency). This sequence change replaces tyrosine, which is neutral and polar, with cysteine, which is neutral and slightly polar, at codon 187 of the XRCC2 protein (p.Tyr187Cys).